The following is an entry in ClinVar:

ClinVar aggregate classification (germline): Likely pathogenic (1 of 4 stars; one submission).

Conditions:
Familial thoracic aortic aneurysm and aortic dissection (TAAD). Also called: Thoracic aortic aneurysms and dissections. Identifiers: Orphanet 91387, MedGen C4707243, MONDO:0019625.

Submission:

GeneDx
Classification: Likely pathogenic for Thoracic aortic aneurysms and aortic dissections. Last evaluated: 2014-03-01. Review status: criteria provided, single submitter. Criteria: GeneDx Variant Classification (06012015). Collection method: clinical testing. Allele origin: germline. Affected: yes.
Comment: c.798_798+1delAG in exon/intron 10 of the COL3A1 gene (NM_000090.3). The normal sequence with the bases that are deleted in braces is: ACAG{Ag}taagt, whereby upper case letters indicate exonic sequence and lower case letters indicate intronic sequence. Although the c.798_798+1delAG mutation has not been reported as a disease-causing mutation or as a benign polymorphism to our knowledge, this mutation damages the canonical splice donor site in intron 10 and is predicted to lead to either an abnormal message that is subject to nonsense-mediated mRNA decay, or to an abnormal protein product if the message is used for protein translation. Other splice site mutations in the COL3A1 gene have been reported in association with EDS type IV. In summary, c.798_798+1delAG in the COL3A1 gene is interpreted as a likely disease-causing mutation. The variant is found in TAAD panel(s).

NM_000090.3(COL3A1):c.798_799delAG

Gene: COL3A1 (collagen type III alpha 1 chain; plus strand). Cytogenetic location: 2q32.2.
Variant type: Deletion.
Coding change: c.798_799delAG on transcript NM_000090.3; coding-DNA positions 798 to 799, AG deleted.
Other names: c.798_799del (LRG_3t1).
Identifiers: ClinVar variation 199748 (VCV000199748.1).